The following is an entry in ClinVar:

NM_001205254.2(OCLN):c.699G>A (p.Leu233=)

Gene: OCLN (occludin; plus strand). Cytogenetic location: 5q13.2.
Variant type: single nucleotide variant.
Coding change: c.699G>A on transcript NM_001205254.2 (MANE Select); coding-DNA position 699, G replaced by A.
Protein change: p.Leu233=; no amino-acid change (leucine 233 retained).
Molecular consequence: synonymous variant. On other transcripts: intron variant (1).
Genome position (GRCh38, 1-based): chr5:69,509,789, G>A. VCF-style: chr5-69509789-G-A. GRCh37 (hg19) VCF-style: chr5-68805616-G-A.
Other names: p.L233L:TTG>TTA; p.Leu233=; c.699G>A, p.Leu233= (NM_001410743.1, NM_001438048.1, NM_001438604.1 and 1 more transcripts); c.-24-4159G>A (NM_001205255.2).
Identifiers: ClinVar variation 138568 (VCV000138568.17), dbSNP rs35107257, ClinGen allele CA172886.

ClinVar aggregate classification (germline): Benign. Review status: criteria provided, multiple submitters, no conflicts (2 of 4 stars). 6 submissions from 6 submitters: Benign (6). Last evaluated 2026-01-26.

Allele frequency attached by ClinVar (database versions not stated): 1000 Genomes Project 0.01338; 1000 Genomes Project 30x 0.01468; ExAC 0.02326; gnomAD exomes 0.02326 and 0.03565; TOPMed 0.02460; gnomAD 0.02557 and 0.02686; ESP Exome Variant Server 0.02991.
gnomAD v4.1: 55,924 of 1,613,784 alleles (3.5%); highest among the groups gnomAD compares: Non-Finnish European, 4.1%; 1,166 homozygotes.

Submissions (6):

Labcorp Genetics (formerly Invitae), Labcorp
Classification: Benign. Last evaluated: 2026-01-26. Review status: criteria provided, single submitter. Criteria: Invitae Variant Classification Sherloc (09022015). Collection method: clinical testing. Allele origin: germline.

Blueprint Genetics
Classification: Benign. Last evaluated: 2024-11-25. Review status: criteria provided, single submitter. Criteria: ACMG Guidelines, 2015. Collection method: clinical testing. Allele origin: germline.

Mayo Clinic Laboratories, Mayo Clinic
Classification: Benign. Last evaluated: 2018-06-22. Review status: criteria provided, single submitter. Criteria: ACMG Guidelines, 2015. Collection method: clinical testing. Allele origin: germline. Observed: 19 variant alleles.

GeneDx
Classification: Benign. Last evaluated: 2014-01-30. Review status: criteria provided, single submitter. Criteria: GeneDx Variant Classification (06012015). Collection method: clinical testing. Allele origin: germline. Affected: yes.
Comment: This variant is considered likely benign or benign based on one or more of the following criteria: it is a conservative change, it occurs at a poorly conserved position in the protein, it is predicted to be benign by multiple in silico algorithms, and/or has population frequency not consistent with disease.

Genetic Services Laboratory, University of Chicago
Classification: Benign. Last evaluated: 2013-03-18. Review status: criteria provided, single submitter. Criteria: ACMG Guidelines, 2007. Collection method: clinical testing. Allele origin: germline. Inheritance: Autosomal recessive inheritance.

Breakthrough Genomics
Classification: Benign. Review status: criteria provided, single submitter. Criteria: ACMG Guidelines, 2015. Collection method: not provided. Allele origin: germline. Inheritance: Autosomal recessive inheritance. Affected: yes.